The following is an entry in ClinVar:

NC_000002.11:g.(?_109363147)_(109370447_?)dup

Gene: RANBP2 (RAN binding protein 2; plus strand). Cytogenetic location: 2q12.3.
Variant type: Duplication.
Identifiers: ClinVar variation 1440544 (VCV001440544.8).

ClinVar aggregate classification (germline): Uncertain significance (1 of 4 stars; one submission).

Conditions:
Familial acute necrotizing encephalopathy (IIAE3). Also called: ENCEPHALOPATHY, ACUTE, INFECTION-INDUCED, SUSCEPTIBILITY TO, 3; Susceptibility to Acute Necrotizing Encephalopathy 1. Identifiers: Orphanet 88619, MedGen C2675556, MONDO:0011953, OMIM 608033.

Submission:

Labcorp Genetics (formerly Invitae), Labcorp
Classification: Uncertain significance for Familial acute necrotizing encephalopathy. Last evaluated: 2022-02-05. Review status: criteria provided, single submitter. Criteria: Invitae Variant Classification Sherloc (09022015). Collection method: clinical testing. Allele origin: germline.
Comment: Experimental studies and prediction algorithms are not available or were not evaluated, and the functional significance of this variant is currently unknown. This variant has not been reported in the literature in individuals affected with RANBP2-related conditions. This variant is a gross deletion of the genomic region encompassing exon(s) 8-15 of the RANBP2 gene. This variant would be expected to be in-frame, preserving the integrity of the reading frame. In summary, the available evidence is currently insufficient to determine the role of this variant in disease. Therefore, it has been classified as a Variant of Uncertain Significance.